The following is an entry in ClinVar:

NM_022132.5(MCCC2):c.437A>G (p.Tyr146Cys)

Gene: MCCC2 (methylcrotonyl-CoA carboxylase subunit 2; plus strand). Cytogenetic location: 5q13.2.
Variant type: single nucleotide variant.
Coding change: c.437A>G on transcript NM_022132.5 (MANE Select); coding-DNA position 437, A replaced by G.
Protein change: p.Tyr146Cys; replaces tyrosine 146 with cysteine.
Molecular consequence: missense variant.
Genome position (GRCh38, 1-based): chr5:71,602,559, A>G. VCF-style: chr5-71602559-A-G. GRCh37 (hg19) VCF-style: chr5-70898386-A-G.
Other names: c.437A>G, p.Tyr146Cys (NM_001363147.1); short protein forms Y146C.
Identifiers: ClinVar variation 1393516 (VCV001393516.8), dbSNP rs2112320371, ClinGen allele CA360010573.
Genomic context (GRCh38, chr5:71,602,559, plus strand): 5'-CTTTCAGAGTAGAATGCATGATTATTGCCAATGATGCCACCGTCAAAGGAGGTGCCTACT[A>G]CCCAGTGACTGTGAAAAAACAATTACGGGCCCAAGAAATTGCCATGCAAAACAGGCTCCC-3'
Protein context (NP_071415.1, residues 136-156): NDATVKGGAY[Tyr146Cys]PVTVKKQLRA

ClinVar aggregate classification (germline): Uncertain significance (1 of 4 stars; one submission).

Conditions:
3-methylcrotonyl-CoA carboxylase 2 deficiency. Also called: 3 alpha methylcrotonyl-CoA carboxylase 2 deficiency; 3 alpha methylcrotonylglycinuria 2; MCC 2 deficiency; Methylcrotonylglycinuria type 2; METHYLCROTONYLGLYCINURIA, TYPE II. Identifiers: Orphanet 6, MedGen C1859499, MONDO:0008862, OMIM 210210.

Submission:

Labcorp Genetics (formerly Invitae), Labcorp
Classification: Uncertain significance for 3-methylcrotonyl-CoA carboxylase 2 deficiency. Last evaluated: 2022-07-19. Review status: criteria provided, single submitter. Criteria: Invitae Variant Classification Sherloc (09022015). Collection method: clinical testing. Allele origin: germline.
Comment: This variant has not been reported in the literature in individuals affected with MCCC2-related conditions. In summary, the available evidence is currently insufficient to determine the role of this variant in disease. Therefore, it has been classified as a Variant of Uncertain Significance. Advanced modeling of protein sequence and biophysical properties (such as structural, functional, and spatial information, amino acid conservation, physicochemical variation, residue mobility, and thermodynamic stability) performed at Invitae indicates that this missense variant is expected to disrupt MCCC2 protein function. ClinVar contains an entry for this variant (Variation ID: 1393516). This variant is not present in population databases (gnomAD no frequency). This sequence change replaces tyrosine, which is neutral and polar, with cysteine, which is neutral and slightly polar, at codon 146 of the MCCC2 protein (p.Tyr146Cys).